The following is an entry in ClinVar:

ClinVar aggregate classification (germline): Uncertain significance (1 of 4 stars; one submission).

Conditions:
Mucopolysaccharidosis, MPS-III-A (MPS3A). Also called: HEPARAN SULFATE SULFATASE DEFICIENCY; SANFILIPPO SYNDROME A; SULFAMIDASE DEFICIENCY; MPS III A; Mucopolysaccharidosis, type IIIA; mucopolysaccharidosis type 3A. Identifiers: Orphanet 581, Orphanet 79269, MedGen C0086647, MONDO:0009655, OMIM 252900.

Submission:

Neuberg Centre For Genomic Medicine, NCGM
Classification: Uncertain significance for Mucopolysaccharidosis, MPS-III-A. Last evaluated: 2023-06-02. Review status: criteria provided, single submitter. Criteria: ACMG Guidelines, 2015. Collection method: clinical testing. Allele origin: germline. Inheritance: Autosomal recessive inheritance. Affected: yes.
Comment: The missense c.1361A>G (p.Asp454Gly) variant in the SGSH gene has not been reported previously as a pathogenic variant nor as a benign variant, to our knowledge. This variant is absent in the gnomAD Exomes. The amino acid Aspartic acid at position 454 is changed to a Glycine changing protein sequence and it might alter its composition and physico-chemical properties. Multiple lines of computational evidence (Polyphen - Probably damaging, SIFT – Damaging and MutationTaster - Disease causing) predict a damaging effect on protein structure and function for this variant. The amino acid Aspartic acid in SGSH is predicted as conserved by GERP++ and PhyloP across 100 vertebrates. For these reasons, this variant has been classified as Uncertain Significance.

NM_000199.5(SGSH):c.1361A>G (p.Asp454Gly)

Gene: SGSH (N-sulfoglucosamine sulfohydrolase; minus strand). Cytogenetic location: 17q25.3.
Variant type: single nucleotide variant.
Coding change: c.1361A>G on transcript NM_000199.5 (MANE Select); coding-DNA position 1361, A replaced by G.
Protein change: p.Asp454Gly; replaces aspartic acid 454 with glycine.
Molecular consequence: missense variant. On other transcripts: 3 prime UTR variant (2), non-coding transcript variant (1).
Genome position (GRCh38, 1-based): chr17:80,210,600, T>C on the plus strand (A>G on the coding strand, the complement: SGSH is on the minus strand). VCF-style: chr17-80210600-T-C. GRCh37 (hg19) VCF-style: chr17-78184399-T-C.
Other names: c.*448A>G (NM_001352921.3); c.*411A>G (NM_001352922.2); short protein forms D454G.
Identifiers: ClinVar variation 3362306 (VCV003362306.3).